The following is an entry in ClinVar:

ClinVar aggregate classification (germline): Uncertain significance (1 of 4 stars; one submission).

Conditions:
Autosomal dominant polycystic kidney disease. Identifiers: Orphanet 730, MedGen C0085413, MONDO:0004691.

Submission:

Labcorp Genetics (formerly Invitae), Labcorp
Classification: Uncertain significance for Autosomal dominant polycystic kidney disease. Last evaluated: 2021-12-28. Review status: criteria provided, single submitter. Criteria: Invitae Variant Classification Sherloc (09022015). Collection method: clinical testing. Allele origin: germline.
Comment: This sequence change replaces glutamic acid, which is acidic and polar, with glutamine, which is neutral and polar, at codon 903 of the PKD2 protein (p.Glu903Gln). This variant is not present in population databases (gnomAD no frequency). In summary, the available evidence is currently insufficient to determine the role of this variant in disease. Therefore, it has been classified as a Variant of Uncertain Significance. Algorithms developed to predict the effect of missense changes on protein structure and function are either unavailable or do not agree on the potential impact of this missense change (SIFT: "Deleterious"; PolyPhen-2: "Probably Damaging"; Align-GVGD: "Class C0"). This variant has not been reported in the literature in individuals affected with PKD2-related conditions.

NM_000297.4(PKD2):c.2707G>C (p.Glu903Gln)

Gene: PKD2 (polycystin 2, transient receptor potential cation channel; plus strand). Cytogenetic location: 4q22.1.
Variant type: single nucleotide variant.
Coding change: c.2707G>C on transcript NM_000297.4 (MANE Select); coding-DNA position 2707, G replaced by C.
Protein change: p.Glu903Gln; replaces glutamic acid 903 with glutamine.
Molecular consequence: missense variant. On other transcripts: non-coding transcript variant (1).
Genome position (GRCh38, 1-based): chr4:88,075,494, G>C. VCF-style: chr4-88075494-G-C. GRCh37 (hg19) VCF-style: chr4-88996646-G-C.
Other names: short protein forms E903Q.
Identifiers: ClinVar variation 2063927 (VCV002063927.4), dbSNP rs2476011347, ClinGen allele CA357628311.